The following is an entry in ClinVar:

NM_020297.4(ABCC9):c.3776C>A (p.Thr1259Asn)

Genes: KCNJ8-AS1 (KCNJ8 antisense RNA 1; plus strand), ABCC9 (ATP binding cassette subfamily C member 9; minus strand). Cytogenetic location: 12p12.1.
Variant type: single nucleotide variant.
Coding change: c.3776C>A on transcript NM_020297.4 (MANE Select); coding-DNA position 3776, C replaced by A.
Protein change: p.Thr1259Asn; replaces threonine 1259 with asparagine.
Molecular consequence: missense variant.
Genome position (GRCh38, 1-based): chr12:21,817,303, G>T on the plus strand (C>A on the coding strand, the complement: ABCC9 is on the minus strand). VCF-style: chr12-21817303-G-T. GRCh37 (hg19) VCF-style: chr12-21970237-G-T.
Other names: c.3776C>A, p.Thr1259Asn (NM_001377273.1, NM_005691.4); c.2909C>A, p.Thr970Asn (NM_001377274.1); short protein forms T1259N, T970N.
Identifiers: ClinVar variation 4861036 (VCV004861036.1).

ClinVar aggregate classification (germline): Uncertain significance (1 of 4 stars; one submission).

Conditions:
Cardiovascular phenotype. Identifiers: MedGen CN230736.

Submission:

Ambry Genetics
Classification: Uncertain significance for Cardiovascular phenotype. Last evaluated: 2026-05-20. Review status: criteria provided, single submitter. Criteria: Ambry Variant Classification Scheme 2023. Collection method: clinical testing. Allele origin: germline.
Comment: The p.T1259N variant (also known as c.3776C>A), located in coding exon 31 of the ABCC9 gene, results from a C to A substitution at nucleotide position 3776. The threonine at codon 1259 is replaced by asparagine, an amino acid with similar properties. This amino acid position is conserved. In addition, the in silico prediction for this alteration is inconclusive. Based on the available evidence, the clinical significance of this variant remains unclear.